The following is an entry in ClinVar:

NM_001366521.1(ATP2B1):c.1359TAA[1] (p.Asn455del)

Gene: ATP2B1 (ATPase plasma membrane Ca2+ transporting 1; minus strand). Cytogenetic location: 12q21.33.
Variant type: Microsatellite.
Coding change: c.1359TAA[1] on transcript NM_001366521.1 (MANE Select); one copy of the 3-base unit TAA starting at c.1359; the reference has two copies in a row; one copy, 3 bases deleted.
Protein change: p.Asn455del; deletes asparagine 455.
Molecular consequence: non-coding transcript variant (on NR_182093.1). On other transcripts: intron variant (1).
Genome position (GRCh38, 1-based): chr12:89,621,772-89,621,774, TTA deleted on the plus strand (TAA on the coding strand, the reverse complement: ATP2B1 is on the minus strand); deleting any 3 consecutive bases within chr12:89,621,772-89,621,778 gives the same sequence; the position shown is the placement nearest the transcript's 3' end. VCF-style (leftmost placement, unchanged base first): chr12-89621771-GTTA-G. GRCh37 (hg19) VCF-style: chr12-90015548-GTTA-G.
Other names: c.1359TAA[1], p.Asn455del (NM_001413050.1, NM_001001323.2, NM_001366520.1 and 12 more transcripts); c.1218TAA[1], p.Asn408del (NM_001413051.1, NM_001413052.1, NM_001413055.1); c.1161TAA[1], p.Asn389del (NM_001413053.1, NM_001366530.1); c.1104TAA[1], p.Asn370del (NM_001413056.1); c.906TAA[1], p.Asn304del (NM_001413057.1); c.798TAA[1], p.Asn268del (NM_001413058.1, NM_001413059.1, NM_001413060.1 and 2 more transcripts); c.1320TAA[1], p.Asn442del (NM_001413048.1); c.1345-1534_1345-1532del (NM_001413054.1); short protein forms N389del, N268del, N442del, N304del, N370del, N408del, N455del.
Identifiers: ClinVar variation 5032349 (VCV005032349.1).

ClinVar aggregate classification (germline): Uncertain significance (1 of 4 stars; one submission).

Conditions:
Inborn genetic diseases. Identifiers: MedGen C0950123, MeSH D030342.

Submission:

Ambry Genetics
Classification: Uncertain significance for Inborn genetic diseases. Last evaluated: 2026-08-06. Review status: criteria provided, single submitter. Criteria: Ambry Variant Classification Scheme 2023. Collection method: clinical testing. Allele origin: germline.
Comment: The c.1362_1364delTAA (p.N455del) variant, located in exon 9 (coding exon 9) of the ATP2B1 gene, results from an in-frame deletion of 3 nucleotides at positions c.1362 to c.1364. This results in the deletion of 1 residue at codon 455. This variant was not reported in population-based cohorts in the Genome Aggregation Database (gnomAD). This amino acid position is highly conserved in available vertebrate species. This variant is predicted to be deleterious by in silico analysis (Choi, 2012). Based on insufficient or conflicting evidence, the clinical significance of this alteration remains unclear.